The following is an entry in ClinVar:

ClinVar aggregate classification (germline): Pathogenic/Likely pathogenic. Review status: criteria provided, multiple submitters, no conflicts (2 of 4 stars). 7 submissions from 7 submitters: Pathogenic (5); Likely pathogenic (1). 1 of the submissions does not count toward it. Last evaluated 2024-12-25.

Conditions:
Diabetes mellitus, permanent neonatal 2. Also called: KCNJ11-Related Permanent Neonatal Diabetes Mellitus. Identifiers: MedGen C5394296, MONDO:0030087, OMIM 618856.
Diabetes. Identifiers: MedGen C1320657.
Neonatal diabetes mellitus (NDM). Identifiers: Orphanet 224, MedGen C0158981, MONDO:0016391.
Permanent neonatal diabetes mellitus (PNDM). Identifiers: Orphanet 99885, MedGen C1833104, MONDO:0100164, MONDO:0011643. Disease mechanism: gain of function.

Submissions (7):

Labcorp Genetics (formerly Invitae), Labcorp
Classification: Pathogenic. Last evaluated: 2024-12-25. Review status: criteria provided, single submitter. Criteria: Invitae Variant Classification Sherloc (09022015). Collection method: clinical testing. Allele origin: germline.
Comment: This sequence change replaces arginine, which is basic and polar, with glutamine, which is neutral and polar, at codon 50 of the KCNJ11 protein (p.Arg50Gln). This variant is not present in population databases (gnomAD no frequency). This missense change has been observed in individual(s) with autosomal dominant KCNJ11-related early onset diabetes (PMID: 17635943, 22749773, 32893419, 33409956). In at least one individual the variant was observed to be de novo. ClinVar contains an entry for this variant (Variation ID: 36431). Invitae Evidence Modeling of protein sequence and biophysical properties (such as structural, functional, and spatial information, amino acid conservation, physicochemical variation, residue mobility, and thermodynamic stability) indicates that this missense variant is expected to disrupt KCNJ11 protein function with a positive predictive value of 95%. Experimental studies have shown that this missense change affects KCNJ11 function (PMID: 16731833). This variant disrupts the p.Arg50Gly amino acid residue in KCNJ11. Other variant(s) that disrupt this residue have been determined to be pathogenic (PMID: 17635943; internal data). This suggests that this residue is clinically significant, and that variants that disrupt this residue are likely to be disease-causing. For these reasons, this variant has been classified as Pathogenic.

Dubai Health Genomic Medicine Center, Dubai Health
Classification: Pathogenic for Diabetes. Last evaluated: 2024-10-04. Review status: criteria provided, single submitter. Criteria: ACMG Guidelines, 2015. Collection method: research. Allele origin: germline. Affected: yes.
Comment: PS2,PS3,PM2,PP3

GeneDx
Classification: Pathogenic. Last evaluated: 2022-09-28. Review status: criteria provided, single submitter. Criteria: GeneDx Variant Classification Process June 2021. Collection method: clinical testing. Allele origin: germline. Affected: yes.
Comment: Published functional studies demonstrate a reduction in the sensitivity of the K(ATP) channel to inhibition by MgATP causing significantly enhanced whole-cell K(ATP) currents, which is expected to reduce insulin secretion (Girard et al., 2006; Shimomura et al., 2006); Not observed at significant frequency in large population cohorts (gnomAD); This variant is associated with the following publications: (PMID: 15561897, 28824061, 21953423, 22134088, 18335204, 28667717, 32598018, 32935446, 16609879, 9831713, 18436707, 17635943, 27223594, 26388896, 22826452, 32893419, 27167055, 12213829, 23462667, 16731833, 17021801, 34566892, 22749773, 21352428, 27681997, 32418263, 33409956)

Women's Health and Genetics/Laboratory Corporation of America, LabCorp
Classification: Pathogenic for Permanent neonatal diabetes mellitus. Last evaluated: 2022-03-09. Review status: criteria provided, single submitter. Criteria: LabCorp Variant Classification Summary - May 2015. Collection method: clinical testing. Allele origin: germline.
Comment: Variant summary: KCNJ11 c.149G>A (p.Arg50Gln) results in a conservative amino acid change located in the Potassium channel, inwardly rectifying, transmembrane domain (IPR040445) of the encoded protein sequence. Three of five in-silico tools predict a damaging effect of the variant on protein function. The variant was absent in 252022 control chromosomes. c.149G>A has been reported in the literature in individuals affected with Neonatal Diabetes Mellitus and was a de-novo occurrence in a subset of these ascertained cases (example, Slingerland_2006, Shimomura_2006, Suzuki_2008, Rica_2007, Flanagan_2006, Pearson_2006, Girard_2006, Garcin_2020). It has also been reported among variants responsive to sulfonylurea treatment (example, Garcin_2020). These data indicate that the variant is likely to be associated with disease. At least one publication reports experimental evidence evaluating an impact on protein function. The most pronounced variant effect results in reduced channel ATP sensitivity and increased sensitivity to Mg2+ upon expression of mutant homomeric and heteromeric channels in Xenopus oocytes (example, Shimomura_2006). One clinical diagnostic laboratory has submitted clinical-significance assessments for this variant to ClinVar after 2014 without evidence for independent evaluation. One laboratory classified the variant as pathogenic. Based on the evidence outlined above, the variant was classified as pathogenic.

Athena Diagnostics
Classification: Pathogenic. Last evaluated: 2016-08-30. Review status: criteria provided, single submitter. Criteria: Athena Diagnostics Criteria. Collection method: clinical testing. Allele origin: germline.

Molecular Genetics, Madras Diabetes Research Foundation
Classification: Likely pathogenic for Neonatal diabetes mellitus. Review status: criteria provided, single submitter. Criteria: ACMG Guidelines, 2015. Collection method: clinical testing. Allele origin: germline. Affected: yes.

Zotz-Klimas Genetics Lab, MVZ Zotz Klimas
Classification: Pathogenic for Diabetes mellitus, permanent neonatal 2. Last evaluated: 2023-10-30. Review status: no assertion criteria provided. Collection method: clinical testing. Allele origin: germline. Affected: yes. Not counted in ClinVar's aggregate classification.

Literature cited by the submitters: PubMed 17635943 (cited by 3 submitters); PubMed 22749773 (cited by Labcorp Genetics (formerly Invitae), Labcorp and Athena Diagnostics); PubMed 32893419 (cited by Labcorp Genetics (formerly Invitae), Labcorp and Molecular Genetics, Madras Diabetes Research Foundation); PubMed 33409956 (cited by Labcorp Genetics (formerly Invitae), Labcorp); PubMed 16731833 (cited by 3 submitters); PubMed 15561897 (cited by Women's Health and Genetics/Laboratory Corporation of America, LabCorp); PubMed 16268330 (cited by Women's Health and Genetics/Laboratory Corporation of America, LabCorp); PubMed 16609879 (cited by Women's Health and Genetics/Laboratory Corporation of America, LabCorp and Athena Diagnostics); PubMed 16636122 (cited by Women's Health and Genetics/Laboratory Corporation of America, LabCorp and Athena Diagnostics); PubMed 16885550 (cited by Women's Health and Genetics/Laboratory Corporation of America, LabCorp and Athena Diagnostics); PubMed 17021801 (cited by Women's Health and Genetics/Laboratory Corporation of America, LabCorp); PubMed 17296510 (cited by Women's Health and Genetics/Laboratory Corporation of America, LabCorp); PubMed 17490422 (cited by Women's Health and Genetics/Laboratory Corporation of America, LabCorp and Athena Diagnostics); PubMed 18436707 (cited by Women's Health and Genetics/Laboratory Corporation of America, LabCorp); PubMed 18767144 (cited by Women's Health and Genetics/Laboratory Corporation of America, LabCorp); PubMed 17673911 (cited by Women's Health and Genetics/Laboratory Corporation of America, LabCorp); PubMed 12213829 (cited by Women's Health and Genetics/Laboratory Corporation of America, LabCorp); PubMed 9831713 (cited by Women's Health and Genetics/Laboratory Corporation of America, LabCorp and Athena Diagnostics); PubMed 10049691 (cited by Women's Health and Genetics/Laboratory Corporation of America, LabCorp and Athena Diagnostics); PubMed 32418263 (cited by Women's Health and Genetics/Laboratory Corporation of America, LabCorp); PubMed 21352428 (cited by Athena Diagnostics).

NM_000525.4(KCNJ11):c.149G>A (p.Arg50Gln)

Gene: KCNJ11 (potassium inwardly rectifying channel subfamily J member 11; minus strand). Cytogenetic location: 11p15.1.
Variant type: single nucleotide variant.
Coding change: c.149G>A on transcript NM_000525.4 (MANE Select); coding-DNA position 149, G replaced by A.
Protein change: p.Arg50Gln; replaces arginine 50 with glutamine.
Molecular consequence: missense variant. On other transcripts: intron variant (3).
Genome position (GRCh38, 1-based): chr11:17,387,943, C>T on the plus strand (G>A on the coding strand, the complement: KCNJ11 is on the minus strand). VCF-style: chr11-17387943-C-T. GRCh37 (hg19) VCF-style: chr11-17409490-C-T.
Other names: c.-16-97G>A (NM_001166290.2, NM_001377297.1); c.-17+75G>A (NM_001377296.1); short protein forms R50Q.
Identifiers: ClinVar variation 36431 (VCV000036431.11), dbSNP rs80356611, ClinGen allele CA214108.